The following is an entry in ClinVar:

NM_032043.3(BRIP1):c.168dup (p.Leu57fs)

Gene: BRIP1 (BRCA1 interacting DNA helicase 1; minus strand). Cytogenetic location: 17q23.2.
Variant type: Duplication.
Coding change: c.168dup on transcript NM_032043.3 (MANE Select); coding-DNA position 168, one base duplicated (A; older notation c.168dupA).
Protein change: p.Leu57fs; shifts the reading frame from leucine 57.
Molecular consequence: frameshift variant.
Genome position (GRCh38, 1-based): chr17:61,859,833, T duplicated on the plus strand (A on the coding strand, the reverse complement: BRIP1 is on the minus strand). VCF-style (leftmost placement, unchanged base first): chr17-61859832-G-GT. GRCh37 (hg19) VCF-style: chr17-59937193-G-GT.
Other names: c.168dupA (NM_032043.2); short protein forms L57fs.
Identifiers: ClinVar variation 4630818 (VCV004630818.2).

ClinVar aggregate classification (germline): Pathogenic/Likely pathogenic. Review status: criteria provided, multiple submitters, no conflicts (2 of 4 stars). 2 submissions from 2 submitters: Pathogenic (1); Likely pathogenic (1). Last evaluated 2025-10-02.

Conditions:
Hereditary cancer-predisposing syndrome. Also called: Neoplastic Syndromes, Hereditary; Tumor predisposition; Hereditary neoplastic syndrome; Hereditary Cancer Syndrome. Identifiers: Orphanet 140162, MedGen C0027672, MeSH D009386, MONDO:0015356.
BRIP1-related disorder. Also called: BRIP1-related condition; BRIP1-related disorders. Identifiers: MedGen CN239206.

Submissions (2):

Ambry Genetics
Classification: Pathogenic for Hereditary cancer-predisposing syndrome. Last evaluated: 2025-10-02. Review status: criteria provided, single submitter. Criteria: Ambry Variant Classification Scheme 2023. Collection method: clinical testing. Allele origin: germline.
Comment: The c.168dupA pathogenic mutation, located in coding exon 2 of the BRIP1 gene, results from a duplication of A at nucleotide position 168, causing a translational frameshift with a predicted alternate stop codon (p.L57Tfs*12). This variant is considered to be rare based on population cohorts in the Genome Aggregation Database (gnomAD). This alteration is expected to result in loss of function by premature protein truncation or nonsense-mediated mRNA decay. As such, this alteration is interpreted as a disease-causing mutation.

Blueprint Genetics
Classification: Likely pathogenic for BRIP1-related disorders. Last evaluated: 2018-08-22. Review status: criteria provided, single submitter. Criteria: ACMG Guidelines, 2015. Collection method: clinical testing. Allele origin: germline. Affected: yes. Observed: 1 variant allele.